The following is an entry in ClinVar:

ClinVar aggregate classification (germline): Uncertain significance (1 of 4 stars; one submission).

Conditions:
Polycystic kidney disease, adult type (PKD1). Also called: Polycystic Kidney, Autosomal Dominant; POLYCYSTIC KIDNEY DISEASE, ADULT, TYPE I; Polycystic Kidney Disease 1, Autosomal Dominant; Polycystic kidney disease 1; Polycystic kidney disease 1, severe; POLYCYSTIC KIDNEY DISEASE 1 WITH OR WITHOUT POLYCYSTIC LIVER DISEASE. Identifiers: MedGen C3149841, MONDO:0008263, OMIM 173900.

Submission:

Victorian Clinical Genetics Services, Murdoch Childrens Research Institute
Classification: Uncertain significance for Polycystic kidney disease, adult type. Last evaluated: 2025-10-15. Review status: criteria provided, single submitter. Criteria: ACMG Guidelines, 2015. Collection method: clinical testing. Allele origin: germline. Affected: yes.
Comment: This variant is classified as VUS-3A. Evidence in support of pathogenic classification: Variant is absent from gnomAD (v2, v3 and v4); Another missense variants comparable to the one identified in this case has moderate previous evidence for pathogenicity. p.(Gly381Ser) has been classified as likely pathogenic and pathogenic by multiple clinical laboratories in ClinVar and reported in multiple individuals with autosomal dominant polycystic kidney disease (PMIDs: 17582161, PMID: 22383692). Additional information: Variant is predicted to result in a missense amino acid change from Gly to Asp; This variant is heterozygous; This gene is associated with autosomal dominant disease. Polycystic kidney disease 1 (MIM#173900) is predominantly caused by monoallelic variants, with rare reports of biallelic variants causing disease (OMIM); This variant has no previous evidence of pathogenicity; No published evidence of segregation with disease has been identified for this variant; No published functional evidence has been identified for this variant; Variant is not located in an established domain, motif, hotspot or informative constraint region; Missense variant with inconclusive in silico prediction and uninformative conservation; Loss of function is a known mechanism of disease in this gene and is associated with polycystic kidney disease 1 (MIM#173900); Inheritance information for this variant is not currently available in this individual.

Literature cited by the submitters: PubMed 22383692; PubMed 17582161.

NM_001009944.3(PKD1):c.1142G>A (p.Gly381Asp)

Gene: PKD1 (polycystin 1, transient receptor potential channel interacting; minus strand). Cytogenetic location: 16p13.3.
Variant type: single nucleotide variant.
Coding change: c.1142G>A on transcript NM_001009944.3 (MANE Select); coding-DNA position 1142, G replaced by A.
Protein change: p.Gly381Asp; replaces glycine 381 with aspartic acid.
Molecular consequence: missense variant.
Genome position (GRCh38, 1-based): chr16:2,117,850, C>T on the plus strand (G>A on the coding strand, the complement: PKD1 is on the minus strand). VCF-style: chr16-2117850-C-T. GRCh37 (hg19) VCF-style: chr16-2167851-C-T.
Other names: c.1142G>A, p.Gly381Asp (NM_000296.4); short protein forms G381D.
Identifiers: ClinVar variation 4531589 (VCV004531589.1).
Genomic context (GRCh38, chr16:2,117,850, plus strand): 5'-CCTCGGGCCGGCTCCTCGCCCAGGGCCACGATGCTGTAGGCGGCCTCCAGGCCTGAACCA[C>T]CGCGGTTCTGGATGCTGAGGTCGAGGCTCTCGTCACTCTGCACCGAGGACGGGCACACGA-3'
Protein context (NP_001009944.3, residues 371-391): ESLDLSIQNR[Gly381Asp]GSGLEAAYSI